The following is an entry in ClinVar:

ClinVar aggregate classification (germline): Benign/Likely benign. Review status: criteria provided, multiple submitters, no conflicts (2 of 4 stars). 3 submissions from 3 submitters: Benign (1); Likely benign (2). Last evaluated 2026-07-17.

Conditions:
Hereditary cancer-predisposing syndrome. Also called: Hereditary neoplastic syndrome; Neoplastic Syndromes, Hereditary; Tumor predisposition; Hereditary Cancer Syndrome. Identifiers: Orphanet 140162, MedGen C0027672, MeSH D009386, MONDO:0015356.
Rhabdoid tumor predisposition syndrome 2 (RTPS2). Identifiers: Orphanet 231108, Orphanet 69077, MedGen C2750074, MONDO:0013224, OMIM 613325.

Allele frequency attached by ClinVar (database versions not stated): TOPMed below 0.00001; ExAC 0.00001.
gnomAD v4.1: 1 of 1,609,496 alleles (0.000062%); highest among the groups gnomAD compares: Non-Finnish European, 0.000085%; no homozygotes.

Submissions (3):

Myriad Genetics, Inc.
Classification: Benign for Rhabdoid tumor predisposition syndrome 2. Last evaluated: 2026-07-17. Review status: criteria provided, single submitter. Criteria: Myriad Autosomal Dominant, Autosomal Recessive and X-Linked Classification Criteria (2023). Collection method: clinical testing. Allele origin: unknown.
Comment: This variant is considered benign. This variant is a silent/synonymous amino acid change and it is not expected to impact splicing.

Labcorp Genetics (formerly Invitae), Labcorp
Classification: Likely benign for Rhabdoid tumor predisposition syndrome 2. Last evaluated: 2024-10-26. Review status: criteria provided, single submitter. Criteria: Invitae Variant Classification Sherloc (09022015). Collection method: clinical testing. Allele origin: germline.

Ambry Genetics
Classification: Likely benign for Hereditary cancer-predisposing syndrome. Last evaluated: 2023-04-16. Review status: criteria provided, single submitter. Criteria: Ambry Variant Classification Scheme 2023. Collection method: clinical testing. Allele origin: germline.

NM_003072.5(SMARCA4):c.4029C>T (p.Leu1343=)

Gene: SMARCA4 (SWI/SNF related BAF chromatin remodeling complex subunit ATPase 4; plus strand). Cytogenetic location: 19p13.2.
Variant type: single nucleotide variant.
Coding change: c.4029C>T on transcript NM_003072.5 (MANE Select); coding-DNA position 4029, C replaced by T.
Protein change: p.Leu1343=; no amino-acid change (leucine 1343 retained).
Molecular consequence: synonymous variant. On other transcripts: non-coding transcript variant (1).
Genome position (GRCh38, 1-based): chr19:11,034,991, C>T. VCF-style: chr19-11034991-C-T. GRCh37 (hg19) VCF-style: chr19-11145667-C-T.
Other names: c.4029C>T, p.Leu1343= (NM_001128844.3, NM_001128849.3); c.3930C>T, p.Leu1310= (NM_001128845.2, NM_001128846.2, NM_001128847.4 and 2 more transcripts).
Identifiers: ClinVar variation 762950 (VCV000762950.11), dbSNP rs773914449, ClinGen allele CA9204582.